The following is an entry in ClinVar:

ClinVar aggregate classification (germline): Uncertain significance (1 of 4 stars; one submission).

Conditions:
Hereditary breast ovarian cancer syndrome. Also called: Hereditary breast and ovarian cancer; Hereditary breast and ovarian cancer syndrome (HBOC); Breast and ovarian cancer; Hereditary breast and/or ovarian cancer syndrome; BRCA1- and BRCA2-Associated Hereditary Breast and Ovarian Cancer; Hereditary breast and ovarian cancer syndrome. Identifiers: Orphanet 145, MedGen C0677776, MeSH D061325, MONDO:0003582. Disease mechanism: loss of function.

Submissions (2):

Labcorp Genetics (formerly Invitae), Labcorp
Classification: Uncertain significance for Hereditary breast ovarian cancer syndrome. Last evaluated: 2021-05-27. Review status: criteria provided, single submitter. Criteria: Invitae Variant Classification Sherloc (09022015). Collection method: clinical testing. Allele origin: germline.
Comment: Advanced modeling of protein sequence and biophysical properties (such as structural, functional, and spatial information, amino acid conservation, physicochemical variation, residue mobility, and thermodynamic stability) performed at Invitae indicates that this missense variant is not expected to disrupt BRCA1 protein function. Experimental studies have shown that this variant does not substantially affect BRCA1 protein function (PMID: 30209399). In summary, the available evidence is currently insufficient to determine the role of this variant in disease. Therefore, it has been classified as a Variant of Uncertain Significance. Algorithms developed to predict the effect of sequence changes on RNA splicing suggest that this variant may create or strengthen a splice site, but this prediction has not been confirmed by published transcriptional studies. This variant has not been reported in the literature in individuals with BRCA1-related conditions. ClinVar contains an entry for this variant (Variation ID: 868940). This variant is not present in population databases (ExAC no frequency). This sequence change replaces threonine with alanine at codon 1677 of the BRCA1 protein (p.Thr1677Ala). The threonine residue is moderately conserved and there is a small physicochemical difference between threonine and alanine.

Brotman Baty Institute, University of Washington
No classification provided (evidence only). Condition: Breast-ovarian cancer, familial 1. Review status: no classification provided. Collection method: in vitro. Allele origin: not applicable. Functional consequence: functionally_normal. Not counted in ClinVar's aggregate classification.
ClinVar note: "not provided" was previously submitted as the classification for the variant. However, the classification appeared to be based only on an observation of functional data so it was converted to no classification on 2025-07-30.

Literature cited by the submitters: PubMed 30209399 (cited by Labcorp Genetics (formerly Invitae), Labcorp).

NM_007294.4(BRCA1):c.5029A>G (p.Thr1677Ala)

Gene: BRCA1 (BRCA1 DNA repair associated; minus strand). Cytogenetic location: 17q21.31.
Variant type: single nucleotide variant.
Coding change: c.5029A>G on transcript NM_007294.4 (MANE Select); coding-DNA position 5029, A replaced by G.
Protein change: p.Thr1677Ala; replaces threonine 1677 with alanine.
Molecular consequence: missense variant. On other transcripts: non-coding transcript variant (1).
Genome position (GRCh38, 1-based): chr17:43,067,653, T>C on the plus strand (A>G on the coding strand, the complement: BRCA1 is on the minus strand). VCF-style: chr17-43067653-T-C. GRCh37 (hg19) VCF-style: chr17-41219670-T-C.
Other names: c.4816A>G, p.Thr1606Ala (NM_001407571.1, NM_001407894.1, NM_001407895.1 and 12 more transcripts); c.5095A>G, p.Thr1699Ala (NM_001407581.1, NM_001407582.1); c.5092A>G, p.Thr1698Ala (NM_001407583.1, NM_001407585.1, NM_001407587.1 and 1 more transcripts); c.5089A>G, p.Thr1697Ala (NM_001407590.1, NM_001407591.1); c.5029A>G, p.Thr1677Ala (NM_001407593.1, NM_001407594.1, NM_001407596.1 and 8 more transcripts); c.5026A>G, p.Thr1676Ala (NM_001407619.1, NM_001407620.1, NM_001407621.1 and 17 more transcripts); c.5023A>G, p.Thr1675Ala (NM_001407627.1, NM_001407638.1, NM_001407639.1 and 14 more transcripts); c.5020A>G, p.Thr1674Ala (NM_001407644.1, NM_001407645.1); and 70 more; short protein forms T1698A, T1677A, T1630A, T573A, T1548A, T1565A, T1610A, T1629A.
Identifiers: ClinVar variation 868940 (VCV000868940.11), dbSNP rs2052175330, ClinGen allele CA10591458.
Genomic context (GRCh38, chr17:43,067,653, plus strand): 5'-AGGTTCTTGGTATACCTGTTTTCATAACAACATGAGTAGTCTCTTCAGTAATTAGATTAG[T>C]TAAAGTGATGTGGTGTTTTCTGGCAAACTTGTACACGAGCATCTGAAATTAAATCAAATA-3'
Protein context (NP_009225.1, residues 1667-1687): KFARKHHITL[Thr1677Ala]NLITEETTHV